The following is an entry in ClinVar:

NM_004959.5(NR5A1):c.571C>T (p.Arg191Cys)

Gene: NR5A1 (nuclear receptor subfamily 5 group A member 1; minus strand). Cytogenetic location: 9q33.3.
Variant type: single nucleotide variant.
Coding change: c.571C>T on transcript NM_004959.5 (MANE Select); coding-DNA position 571, C replaced by T.
Protein change: p.Arg191Cys; replaces arginine 191 with cysteine.
Molecular consequence: missense variant.
Genome position (GRCh38, 1-based): chr9:124,500,389, G>A on the plus strand (C>T on the coding strand, the complement: NR5A1 is on the minus strand). VCF-style: chr9-124500389-G-A. GRCh37 (hg19) VCF-style: chr9-127262668-G-A.
Other names: NM_004959.5:c.571C>T; short protein forms R191C.
Identifiers: ClinVar variation 3236659 (VCV003236659.1), dbSNP rs1253324106, ClinGen allele CA374886741.

ClinVar aggregate classification (germline): Uncertain significance (1 of 4 stars; one submission).

Conditions:
46,XY sex reversal 3. Also called: 46,XY GONADAL DYSGENESIS, PARTIAL OR COMPLETE, WITH OR WITHOUT ADRENAL FAILURE; DISORDER OF SEX DEVELOPMENT, 46,XY, NR5A1-RELATED; NR5A1-related 46,XY complete gonadal dysgenesis; 46,XY SEX REVERSAL, PARTIAL OR COMPLETE, NR5A1-RELATED; SEX REVERSAL, XY, WITH OR WITHOUT ADRENAL FAILURE. Identifiers: MedGen C3489793, MONDO:0013066, OMIM 612965.

Allele frequency attached by ClinVar (database versions not stated): gnomAD exomes 0.00001.
gnomAD v4.1: 12 of 1,558,928 alleles (0.00077%); highest among the groups gnomAD compares: Admixed American, 0.0019%; no homozygotes.

Submission:

Broad Center for Mendelian Genomics, Broad Institute of MIT and Harvard
Classification: Uncertain significance for 46,XY sex reversal 3. Last evaluated: 2024-05-16. Review status: criteria provided, single submitter. Criteria: ACMG Guidelines, 2015. Collection method: curation. Allele origin: germline.
Comment: The p.Arg191Cys variant has been reported in one individual with spermatogenic failure (PMID: 20887963), and has been identified in 0.002% (1/51762) of Admixed American chromosomes by the Genome Aggregation Database (gnomAD; dbSNP (rs1253324106)). In vitro functional studies provide some evidence that the p.Arg191Cys variant may slightly impact protein function (PMID: 20887963). However, these types of assays may not accurately represent biological function. Computational prediction tools and conservation analyses suggest that this variant may impact the protein, though this information is not predictive enough to determine pathogenicity. In summary, the clinical significance of the p.Arg191Cys variant is uncertain. ACMG/AMP Criteria applied: PS4_Supporting, PM2_Supporting, PS3_Supporting, PP3_Moderate (Richards 2015).

Literature cited by the submitters: PubMed 20887963.